The following is an entry in ClinVar:

ClinVar aggregate classification (germline): Uncertain significance (1 of 4 stars; one submission).

Conditions:
Emery-Dreifuss muscular dystrophy 4, autosomal dominant (EDMD4). Also called: EMERY-DREIFUSS MUSCULAR DYSTROPHY 4 WITH VARIABLE FEATURES. Identifiers: Orphanet 261, MedGen C2751807, MONDO:0013071, OMIM 612998.
Autosomal recessive ataxia, Beauce type. Also called: Spinocerebellar ataxia, autosomal recessive 8; ATAXIA, RECESSIVE, OF BEAUCE; SYNE1-Related Autosomal Recessive Cerebellar Ataxia; SYNE1 Deficiency. Identifiers: Orphanet 88644, MedGen C1853116, MONDO:0012549, OMIM 610743.

Allele frequency attached by ClinVar (database versions not stated): gnomAD exomes below 0.00001.
gnomAD v4.1: 4 of 1,613,968 alleles (0.00025%); highest among the groups gnomAD compares: Non-Finnish European, 0.00034%; no homozygotes.

Submission:

Labcorp Genetics (formerly Invitae), Labcorp
Classification: Uncertain significance for Emery-Dreifuss muscular dystrophy 4, autosomal dominant; Autosomal recessive ataxia, Beauce type. Last evaluated: 2021-07-28. Review status: criteria provided, single submitter. Criteria: Invitae Variant Classification Sherloc (09022015). Collection method: clinical testing. Allele origin: germline.
Comment: This sequence change falls in intron 87 of the SYNE1 gene. It does not directly change the encoded amino acid sequence of the SYNE1 protein. In summary, the available evidence is currently insufficient to determine the role of this variant in disease. Therefore, it has been classified as a Variant of Uncertain Significance. Algorithms developed to predict the effect of sequence changes on RNA splicing suggest that this variant may disrupt the consensus splice site, but this prediction has not been confirmed by published transcriptional studies. This variant has not been reported in the literature in individuals with SYNE1-related conditions. This variant is not present in population databases (ExAC no frequency).

NM_182961.4(SYNE1):c.16897-6C>G

Genes: SYNE1 (spectrin repeat containing nuclear envelope protein 1; minus strand), LOC126859837 (BRD4-independent group 4 enhancer GRCh37_chr6:152630775-152631974; plus strand). Cytogenetic location: 6q25.2.
Variant type: single nucleotide variant.
Coding change: c.16897-6C>G on transcript NM_182961.4 (MANE Select); 6 bases into the intron before coding-DNA position 16897, C replaced by G.
Molecular consequence: intron variant.
Genome position (GRCh38, 1-based): chr6:152,310,524, G>C on the plus strand (C>G on the coding strand, the complement: SYNE1 is on the minus strand). VCF-style: chr6-152310524-G-C. GRCh37 (hg19) VCF-style: chr6-152631659-G-C.
Other names: c.16684-6C>G (NM_033071.5).
Identifiers: ClinVar variation 837565 (VCV000837565.10), dbSNP rs372179792, ClinGen allele CA571437733.